The following is an entry in ClinVar:

ClinVar aggregate classification (germline): Uncertain significance (1 of 4 stars; one submission).

Submission:

CeGaT Center for Human Genetics Tuebingen
Classification: Uncertain significance. Last evaluated: 2026-09-01. Review status: criteria provided, single submitter. Criteria: CeGaT Center For Human Genetics Tuebingen Variant Classification Criteria Version 2. Collection method: clinical testing. Allele origin: germline. Affected: yes. Observed: 1 variant allele.
Comment: KL: PM2, PP2

NM_004795.4(KL):c.74G>T (p.Gly25Val)

Gene: KL (klotho; plus strand). Cytogenetic location: 13q13.1.
Variant type: single nucleotide variant.
Coding change: c.74G>T on transcript NM_004795.4 (MANE Select); coding-DNA position 74, G replaced by T.
Protein change: p.Gly25Val; replaces glycine 25 with valine.
Molecular consequence: missense variant.
Genome position (GRCh38, 1-based): chr13:33,016,514, G>T. VCF-style: chr13-33016514-G-T. GRCh37 (hg19) VCF-style: chr13-33590652-G-T.
Other names: short protein forms G25V.
Identifiers: ClinVar variation 5041242 (VCV005041242.1).